The following is an entry in ClinVar:

NM_015015.3(KDM4B):c.970A>G (p.Ile324Val)

Gene: KDM4B (lysine demethylase 4B; plus strand). Cytogenetic location: 19p13.3.
Variant type: single nucleotide variant.
Coding change: c.970A>G on transcript NM_015015.3 (MANE Select); coding-DNA position 970, A replaced by G.
Protein change: p.Ile324Val; replaces isoleucine 324 with valine.
Molecular consequence: missense variant.
Genome position (GRCh38, 1-based): chr19:5,110,673, A>G. VCF-style: chr19-5110673-A-G. GRCh37 (hg19) VCF-style: chr19-5110684-A-G.
Other names: c.970A>G, p.Ile324Val (NM_001370093.1, NM_001370094.1, NM_001411148.1); short protein forms I324V.
Identifiers: ClinVar variation 4838599 (VCV004838599.1).
Genomic context (GRCh38, chr19:5,110,673, plus strand): 5'-CTGCCGCAGTGCACGTGCCGGAAGGACATGGTCAAGATCTCCATGGACGTGTTCGTGCGC[A>G]TCCTGCAGCCCGAGCGCTACGAGCTGTGGAAGCAGGGCAAGGACCTCACGGTGCTGGACC-3'
Protein context (NP_055830.1, residues 314-334): VKISMDVFVR[Ile324Val]LQPERYELWK

ClinVar aggregate classification (germline): Uncertain significance (1 of 4 stars; one submission).

Conditions:
Inborn genetic diseases. Identifiers: MedGen C0950123, MeSH D030342.

gnomAD v4.1: 2 of 1,613,022 alleles (0.00012%); highest among the groups gnomAD compares: Admixed American, 0.0017%; no homozygotes.

Submission:

Ambry Genetics
Classification: Uncertain significance for Inborn genetic diseases. Last evaluated: 2025-12-24. Review status: criteria provided, single submitter. Criteria: Ambry Variant Classification Scheme 2023. Collection method: clinical testing. Allele origin: germline.
Comment: The c.970A>G (p.I324V) alteration is located in exon 10 (coding exon 8) of the KDM4B gene. This alteration results from a A to G substitution at nucleotide position 970, causing the isoleucine (I) at amino acid position 324 to be replaced by a valine (V). Based on data from gnomAD, the G allele has an overall frequency of <0.001% (1/249556) total alleles studied. The highest observed frequency was 0.003% (1/34556) of Latino alleles. Based on insufficient or conflicting evidence, the clinical significance of this alteration remains unclear.